The following is an entry in ClinVar:

NM_005236.3(ERCC4):c.820T>C (p.Trp274Arg)

Gene: ERCC4 (ERCC excision repair 4, endonuclease catalytic subunit; plus strand). Cytogenetic location: 16p13.12.
Variant type: single nucleotide variant.
Coding change: c.820T>C on transcript NM_005236.3 (MANE Select); coding-DNA position 820, T replaced by C.
Protein change: p.Trp274Arg; replaces tryptophan 274 with arginine.
Molecular consequence: missense variant.
Genome position (GRCh38, 1-based): chr16:13,930,737, T>C. VCF-style: chr16-13930737-T-C. GRCh37 (hg19) VCF-style: chr16-14024594-T-C.
Other names: short protein forms W274R.
Identifiers: ClinVar variation 2930590 (VCV002930590.3), dbSNP rs2543174078, ClinGen allele CA394803845.
Genomic context (GRCh38, chr16:13,930,737, plus strand): 5'-TTTTAGCAATACCAAATTTTATTCTTGTTTTAGACAATCCGCCATTATCTGGATCCTTTG[T>C]GGCACCAGCTTGGAGCCAAGACTAAATCCTTAGTTCAGGATTTGAAGATATTACGAACTT-3'
Protein context (NP_005227.1, residues 264-284): KTIRHYLDPL[Trp274Arg]HQLGAKTKSL

ClinVar aggregate classification (germline): Uncertain significance (1 of 4 stars; one submission).

Conditions:
Xeroderma pigmentosum, group F (XPF). Also called: ERCC4-Related Xeroderma Pigmentosum; XERODERMA PIGMENTOSUM, COMPLEMENTATION GROUP F; XERODERMA PIGMENTOSUM VI; XP, GROUP F; XERODERMA PIGMENTOSUM, TYPE F; Xeroderma pigmentosum, type 6. Identifiers: MedGen C0268140, MONDO:0010215, OMIM 278760.
Fanconi anemia complementation group Q. Identifiers: Orphanet 84, MedGen C3808988, MONDO:0014108, OMIM 615272.
Cockayne syndrome. Identifiers: Orphanet 191, MedGen C0009207, MONDO:0016006.

Submission:

Labcorp Genetics (formerly Invitae), Labcorp
Classification: Uncertain significance for Fanconi anemia complementation group Q; Xeroderma pigmentosum, group F; Cockayne syndrome. Last evaluated: 2023-10-28. Review status: criteria provided, single submitter. Criteria: Invitae Variant Classification Sherloc (09022015). Collection method: clinical testing. Allele origin: germline.
Comment: This sequence change replaces tryptophan, which is neutral and slightly polar, with arginine, which is basic and polar, at codon 274 of the ERCC4 protein (p.Trp274Arg). This variant is not present in population databases (gnomAD no frequency). This variant has not been reported in the literature in individuals affected with ERCC4-related conditions. Advanced modeling of protein sequence and biophysical properties (such as structural, functional, and spatial information, amino acid conservation, physicochemical variation, residue mobility, and thermodynamic stability) performed at Invitae indicates that this missense variant is expected to disrupt ERCC4 protein function with a positive predictive value of 80%. In summary, the available evidence is currently insufficient to determine the role of this variant in disease. Therefore, it has been classified as a Variant of Uncertain Significance.